The following is an entry in ClinVar:

NM_001267550.2(TTN):c.64676C>A (p.Ala21559Asp)

Genes: TTN (titin; minus strand), TTN-AS1 (TTN antisense RNA 1; plus strand). Cytogenetic location: 2q31.2.
Variant type: single nucleotide variant.
Coding change: c.64676C>A on transcript NM_001267550.2 (MANE Select); coding-DNA position 64676, C replaced by A.
Protein change: p.Ala21559Asp; replaces alanine 21559 with aspartic acid.
Molecular consequence: missense variant. On other transcripts: non-coding transcript variant (1).
Genome position (GRCh38, 1-based): chr2:178,584,965, G>T on the plus strand (C>A on the coding strand, the complement: TTN is on the minus strand). VCF-style: chr2-178584965-G-T. GRCh37 (hg19) VCF-style: chr2-179449692-G-T.
Other names: c.59753C>A, p.Ala19918Asp (NM_001256850.1); c.37481C>A, p.Ala12494Asp (NM_003319.4); c.56972C>A, p.Ala18991Asp (NM_133378.4); c.37856C>A, p.Ala12619Asp (NM_133432.3); c.38057C>A, p.Ala12686Asp (NM_133437.4); short protein forms A12686D, A12494D, A19918D, A21559D, A12619D, A18991D.
Identifiers: ClinVar variation 4981286 (VCV004981286.1).

ClinVar aggregate classification (germline): Uncertain significance (1 of 4 stars; one submission).

Conditions:
TTN-related disorder. Also called: TTN-related disorders; TTN-related condition; TTN-related disease.

gnomAD v4.1: 6 of 1,612,874 alleles (0.00037%); highest among the groups gnomAD compares: Non-Finnish European, 0.00042%; no homozygotes.

Submission:

PreventionGenetics, part of Exact Sciences
Classification: Uncertain significance for TTN-related condition. Last evaluated: 2026-03-27. Review status: criteria provided, single submitter. Criteria: ACMG Guidelines, 2015. Collection method: clinical testing. Allele origin: germline.
Comment: The TTN c.64676C>A variant is predicted to result in the amino acid substitution p.Ala21559Asp. To our knowledge, this variant has not been reported in the literature. This variant is reported in 0.00090% of alleles in individuals of European (Non-Finnish) descent in gnomAD. At this time, the clinical significance of this variant is uncertain due to the absence of conclusive functional and genetic evidence.